The following is an entry in ClinVar:

ClinVar aggregate classification (germline): Uncertain significance (1 of 4 stars; one submission).

Conditions:
Epidermolysis bullosa simplex 3, localized or generalized intermediate, with BP230 deficiency (EBS3). Also called: Epidermolysis bullosa simplex, autosomal recessive 2; Epidermolysis bullosa simplex due to BP230 deficiency. Identifiers: Orphanet 412181, MedGen C3809470, MONDO:0014180, OMIM 615425.
Hereditary sensory and autonomic neuropathy type 6. Also called: HSAN VI; Neuropathy, hereditary sensory and autonomic, type VI. Identifiers: Orphanet 314381, MedGen C3539003, MONDO:0013839, OMIM 614653.

Allele frequency attached by ClinVar (database versions not stated): TOPMed below 0.00001; gnomAD 0.00001.

Submission:

Labcorp Genetics (formerly Invitae), Labcorp
Classification: Uncertain significance for Epidermolysis bullosa simplex 3, localized or generalized intermediate, with BP230 deficiency; Hereditary sensory and autonomic neuropathy type 6. Last evaluated: 2024-02-28. Review status: criteria provided, single submitter. Criteria: Invitae Variant Classification Sherloc (09022015). Collection method: clinical testing. Allele origin: germline.
Comment: This sequence change replaces asparagine, which is neutral and polar, with lysine, which is basic and polar, at codon 1477 of the DST protein (p.Asn1477Lys). This variant is not present in population databases (gnomAD no frequency). This variant has not been reported in the literature in individuals affected with DST-related conditions. ClinVar contains an entry for this variant (Variation ID: 1403468). An algorithm developed to predict the effect of missense changes on protein structure and function (PolyPhen-2) suggests that this variant is likely to be tolerated. In summary, the available evidence is currently insufficient to determine the role of this variant in disease. Therefore, it has been classified as a Variant of Uncertain Significance.

NM_001723.7(DST):c.4431T>G (p.Asn1477Lys)

Gene: DST (dystonin; minus strand). Cytogenetic location: 6p12.1.
Variant type: single nucleotide variant.
Coding change: c.4431T>G on transcript NM_001723.7 (MANE Plus Clinical); coding-DNA position 4431, T replaced by G.
Protein change: p.Asn1477Lys; replaces asparagine 1477 with lysine.
Molecular consequence: missense variant. On other transcripts: intron variant (10).
Genome position (GRCh38, 1-based): chr6:56,619,603, A>C on the plus strand (T>G on the coding strand, the complement: DST is on the minus strand). VCF-style: chr6-56619603-A-C. GRCh37 (hg19) VCF-style: chr6-56484401-A-C.
Other names: c.4830+4927T>G (NM_001144769.5); c.4929+4927T>G (NM_001374722.1, NM_001374736.1); c.4956+4927T>G (NM_001374734.1); c.4416+4927T>G (NM_001144770.2); c.4296+4927T>G (NM_001374730.1, NM_001386100.1, NM_183380.4 and 1 more transcripts); c.3318+4927T>G (NM_015548.5); short protein forms N1477K.
Identifiers: ClinVar variation 1403468 (VCV001403468.8), dbSNP rs1326183886, ClinGen allele CA364569695.